The following is an entry in ClinVar:

NM_001081550.2(THOC2):c.3624TTC[1] (p.Ser1212del)

Gene: THOC2 (THO complex subunit 2; minus strand). Cytogenetic location: Xq25.
Variant type: Microsatellite.
Coding change: c.3624TTC[1] on transcript NM_001081550.2 (MANE Select); one copy of the 3-base unit TTC starting at c.3624; the reference has two copies in a row; one copy, 3 bases deleted.
Protein change: p.Ser1212del; deletes serine 1212.
Molecular consequence: inframe deletion.
Genome position (GRCh38, 1-based): chrX:123,623,158-123,623,160, GAA deleted on the plus strand (TTC on the coding strand, the reverse complement: THOC2 is on the minus strand); deleting any 3 consecutive bases within chrX:123,623,158-123,623,164 gives the same sequence; the position shown is the placement nearest the transcript's 3' end. VCF-style (leftmost placement, unchanged base first): chrX-123623157-TGAA-T. GRCh37 (hg19) VCF-style: chrX-122757008-TGAA-T.
Other names: short protein forms S1212del.
Identifiers: ClinVar variation 1313650 (VCV001313650.2), dbSNP rs2147596373, ClinGen allele CA2580612473.

ClinVar aggregate classification (germline): Uncertain significance (1 of 4 stars; one submission).

Submission:

GeneDx
Classification: Uncertain significance. Last evaluated: 2021-09-23. Review status: criteria provided, single submitter. Criteria: GeneDx Variant Classification Process June 2021. Collection method: clinical testing. Allele origin: germline. Affected: yes.
Comment: Has not been previously published as pathogenic or benign to our knowledge; Not observed at significant frequency in large population cohorts (Lek et al., 2016); In silico analysis supports a deleterious effect on protein structure/function; In-frame deletion of 1 amino acids in a non-repeat region